The following is an entry in ClinVar:

NM_170606.3(KMT2C):c.5083-11_5083-8del

Gene: KMT2C (lysine methyltransferase 2C; minus strand). Cytogenetic location: 7q36.1.
Variant type: Deletion.
Coding change: c.5083-11_5083-8del on transcript NM_170606.3 (MANE Select); 11 bases into the intron before coding-DNA position 5083 through 8 bases into the intron before coding-DNA position 5083, 4 bases deleted (TTTT; older notation c.5083-11_5083-8delTTTT).
Molecular consequence: intron variant.
Genome position (GRCh38, 1-based): chr7:152,183,164-152,183,167, AAAA deleted on the plus strand (TTTT on the coding strand, the reverse complement: KMT2C is on the minus strand). VCF-style (leftmost placement, unchanged base first): chr7-152183163-CAAAA-C. GRCh37 (hg19) VCF-style: chr7-151880248-CAAAA-C.
Identifiers: ClinVar variation 4884062 (VCV004884062.2).

ClinVar aggregate classification (germline): Uncertain significance (1 of 4 stars; one submission).

Submission:

Dasa
Classification: Uncertain significance. Last evaluated: 2026-04-09. Review status: criteria provided, single submitter. Criteria: DASA Assertion Criteria. Collection method: clinical testing. Allele origin: germline.
Comment: NM_170606.3(KMT2C):c.5083-11_5083-8del is an intronic variant. This variant is rare in population databases. Computational prediction algorithms are consistent with a benign effect. The currently available literature and clinical evidence are not sufficient to establish a definitive association between this variant and the reported condition. Therefore, this variant is classified as a variant of uncertain significance.